The following is an entry in ClinVar:

ClinVar aggregate classification (germline): Uncertain significance (1 of 4 stars; one submission).

gnomAD v4.1: 3 of 1,611,578 alleles (0.00019%); highest among the groups gnomAD compares: Middle Eastern, 0.033%; no homozygotes.

Submission:

Labcorp Genetics (formerly Invitae), Labcorp
Classification: Uncertain significance. Last evaluated: 2022-05-20. Review status: criteria provided, single submitter. Criteria: Invitae Variant Classification Sherloc (09022015). Collection method: clinical testing. Allele origin: germline.
Comment: In summary, the available evidence is currently insufficient to determine the role of this variant in disease. Therefore, it has been classified as a Variant of Uncertain Significance. Algorithms developed to predict the effect of missense changes on protein structure and function are either unavailable or do not agree on the potential impact of this missense change (SIFT: "Deleterious"; PolyPhen-2: "Probably Damaging"; Align-GVGD: "Class C0"). This variant has not been reported in the literature in individuals affected with ARID1B-related conditions. This variant is present in population databases (no rsID available, gnomAD 0.0009%). This sequence change replaces proline, which is neutral and non-polar, with serine, which is neutral and polar, at codon 517 of the ARID1B protein (p.Pro517Ser).

NM_001374828.1(ARID1B):c.1798C>T (p.Pro600Ser)

Gene: ARID1B (AT-rich interaction domain 1B; plus strand). Cytogenetic location: 6q25.3.
Variant type: single nucleotide variant.
Coding change: c.1798C>T on transcript NM_001374828.1 (MANE Select); coding-DNA position 1798, C replaced by T.
Protein change: p.Pro600Ser; replaces proline 600 with serine.
Molecular consequence: missense variant.
Genome position (GRCh38, 1-based): chr6:156,829,233, C>T. VCF-style: chr6-156829233-C-T. GRCh37 (hg19) VCF-style: chr6-157150367-C-T.
Other names: c.1549C>T, p.Pro517Ser (NM_001346813.1, NM_020732.3); c.1798C>T, p.Pro600Ser (NM_001371656.1, NM_001374820.1, NM_017519.3); c.1375C>T, p.Pro459Ser (NM_175863.2); short protein forms P459S, P517S, P600S.
Identifiers: ClinVar variation 1955515 (VCV001955515.5), dbSNP rs1196211007, ClinGen allele CA366383618.
Genomic context (GRCh38, chr6:156,829,233, plus strand): 5'-TGCCTTTGTAATAAAGAATGAATTAATAAACCGACTTCTTTTATGTCTTCACAGGGCAGC[C>T]CAATGGATCCAATGGTGATGAAGAGACCTCAGTTGTATGGCATGGGCAGTAACCCTCATT-3'
Protein context (NP_001361757.1, residues 590-610): GPTMGRSQGS[Pro600Ser]MDPMVMKRPQ